The following is an entry in ClinVar:

NM_002206.3(ITGA7):c.1590G>C (p.Ala530=)

Gene: ITGA7 (integrin subunit alpha 7; minus strand). Cytogenetic location: 12q13.2.
Variant type: single nucleotide variant.
Coding change: c.1590G>C on transcript NM_002206.3 (MANE Select); coding-DNA position 1590, G replaced by C.
Protein change: p.Ala530=; no amino-acid change (alanine 530 retained).
Molecular consequence: synonymous variant.
Genome position (GRCh38, 1-based): chr12:55,697,046, C>G on the plus strand (G>C on the coding strand, the complement: ITGA7 is on the minus strand). VCF-style: chr12-55697046-C-G. GRCh37 (hg19) VCF-style: chr12-56090830-C-G.
Other names: c.1407G>C, p.Ala469= (NM_001414033.1); c.1590G>C, p.Ala530= (NM_001414034.1); c.1251G>C, p.Ala417= (NM_001414035.1); c.1602G>C, p.Ala534= (NM_001144996.2); c.1311G>C, p.Ala437= (NM_001144997.2); c.1263G>C, p.Ala421= (NM_001367993.1); c.246G>C, p.Ala82= (NM_001367994.1); c.1572G>C, p.Ala524= (NM_001374465.1); and 5 more.
Identifiers: ClinVar variation 5039751 (VCV005039751.1).

ClinVar aggregate classification (germline): Likely benign (1 of 4 stars; one submission).

gnomAD v4.1: 25 of 1,613,976 alleles (0.0015%); highest among the groups gnomAD compares: South Asian, 0.0022%; no homozygotes.

Submission:

CeGaT Center for Human Genetics Tuebingen
Classification: Likely benign. Last evaluated: 2026-07-01. Review status: criteria provided, single submitter. Criteria: CeGaT Center For Human Genetics Tuebingen Variant Classification Criteria Version 2. Collection method: clinical testing. Allele origin: germline. Affected: yes. Observed: 1 variant allele.
Comment: ITGA7: BP4, BP7